The following is an entry in ClinVar:

ClinVar aggregate classification (germline): Uncertain significance (1 of 4 stars; one submission).

Submission:

GeneDx
Classification: Uncertain significance. Last evaluated: 2025-03-31. Review status: criteria provided, single submitter. Criteria: GeneDx Variant Classification Process June 2021. Collection method: clinical testing. Allele origin: germline. Affected: yes.
Comment: Identified in a patient with GEFS+ in published literature, but it is unknown whether this individual was screened for variants in other genes associated with seizures (PMID: 35571373); Not observed at significant frequency in large population cohorts (gnomAD); In silico analysis indicates that this missense variant does not alter protein structure/function; This substitution is predicted to be within the transmembrane segment S2 of the fourth homologous domain; This variant is associated with the following publications: (PMID: 35571373)

NM_001165963.4(SCN1A):c.4741A>G (p.Ile1581Val)

Genes: SCN1A (sodium voltage-gated channel alpha subunit 1; minus strand), LOC102724058 (uncharacterized LOC102724058; plus strand). Cytogenetic location: 2q24.3.
Variant type: single nucleotide variant.
Coding change: c.4741A>G on transcript NM_001165963.4 (MANE Select); coding-DNA position 4741, A replaced by G.
Protein change: p.Ile1581Val; replaces isoleucine 1581 with valine.
Molecular consequence: missense variant. On other transcripts: non-coding transcript variant (1).
Genome position (GRCh38, 1-based): chr2:165,994,257, T>C on the plus strand (A>G on the coding strand, the complement: SCN1A is on the minus strand). VCF-style: chr2-165994257-T-C. GRCh37 (hg19) VCF-style: chr2-166850767-T-C.
Other names: c.4657A>G, p.Ile1553Val (NM_001165964.3, NM_001353957.2, NM_001353958.2); c.4741A>G, p.Ile1581Val (NM_001202435.3, NM_001353948.2); c.4708A>G, p.Ile1570Val (NM_001353949.2, NM_001353950.2, NM_001353951.2 and 2 more transcripts); c.4705A>G, p.Ile1569Val (NM_001353954.2, NM_001353955.2); c.4654A>G, p.Ile1552Val (NM_001353960.2); c.2299A>G, p.Ile767Val (NM_001353961.2); short protein forms I1552V, I1553V, I1569V, I1570V, I1581V, I767V.
Identifiers: ClinVar variation 4278611 (VCV004278611.1).
Genomic context (GRCh38, chr2:165,994,257, plus strand): 5'-TAAAATAATAATGGCGTAGAGAGATGAGTTTCAGTACACACTCTCCAGTAAATAGCACAA[T>C]GAACACCAGATTGATGCGTGACAAAATGGTAGTCACATATTCACTCTGGTCATCTGTTTC-3'
Protein context (NP_001159435.1, residues 1571-1591): TILSRINLVF[Ile1581Val]VLFTGECVLK